The following is an entry in ClinVar:

NM_007194.4(CHEK2):c.881C>G (p.Ala294Gly)

Gene: CHEK2 (checkpoint kinase 2; minus strand). Cytogenetic location: 22q12.1.
Variant type: single nucleotide variant.
Coding change: c.881C>G on transcript NM_007194.4 (MANE Select); coding-DNA position 881, C replaced by G.
Protein change: p.Ala294Gly; replaces alanine 294 with glycine.
Molecular consequence: missense variant.
Genome position (GRCh38, 1-based): chr22:28,703,532, G>C on the plus strand (C>G on the coding strand, the complement: CHEK2 is on the minus strand). VCF-style: chr22-28703532-G-C. GRCh37 (hg19) VCF-style: chr22-29099520-G-C.
Other names: c.1010C>G, p.Ala337Gly (NM_001005735.3); c.218C>G, p.Ala73Gly (NM_001257387.3); c.680C>G, p.Ala227Gly (NM_001349956.3); c.881C>G, p.Ala294Gly (NM_145862.3); short protein forms A294G, A227G, A73G, A337G.
Identifiers: ClinVar variation 483385 (VCV000483385.16), dbSNP rs1555916963, ClinGen allele CA411101110.
Genomic context (GRCh38, chr22:28,703,532, plus strand): 5'-GAAACAGAAATTTTTAAAAAGTTTACTACTTACAATTCCAAAACAATATAATAATCTTCT[G>C]CATCAAAAAAGTTTTTAATCTTGATGATGCAAGGCTAAGAAGAGGGGGAGAAAAAAGGGA-3'
Protein context (NP_009125.1, residues 284-304): CIIKIKNFFD[Ala294Gly]EDYYIVLELM

ClinVar aggregate classification (germline): Uncertain significance. Review status: criteria provided, multiple submitters, no conflicts (2 of 4 stars). 3 submissions from 3 submitters: Uncertain significance (3). Last evaluated 2023-09-23.

Conditions:
Familial cancer of breast. Also called: BREAST CANCER, FAMILIAL; Hereditary breast cancer; hereditary breast carcinoma. Identifiers: Orphanet 227535, MedGen C0346153, MONDO:0016419, OMIM 114480. Disease mechanism: loss of function.
Hereditary cancer-predisposing syndrome. Also called: Neoplastic Syndromes, Hereditary; Tumor predisposition; Hereditary Cancer Syndrome; Hereditary neoplastic syndrome. Identifiers: Orphanet 140162, MedGen C0027672, MeSH D009386, MONDO:0015356.

gnomAD v4.1: 1 of 1,550,876 alleles (0.000064%); highest among the groups gnomAD compares: Admixed American, 0.0018%; no homozygotes.

Submissions (3):

Ambry Genetics
Classification: Uncertain significance for Hereditary cancer-predisposing syndrome. Last evaluated: 2023-09-23. Review status: criteria provided, single submitter. Criteria: Ambry Variant Classification Scheme 2023. Collection method: clinical testing. Allele origin: germline.
Comment: The p.A294G variant (also known as c.881C>G), located in coding exon 7 of the CHEK2 gene, results from a C to G substitution at nucleotide position 881. The alanine at codon 294 is replaced by glycine, an amino acid with similar properties. This amino acid position is highly conserved in available vertebrate species. In addition, the in silico prediction for this alteration is inconclusive. Since supporting evidence is limited at this time, the clinical significance of this alteration remains unclear.

Labcorp Genetics (formerly Invitae), Labcorp
Classification: Uncertain significance for Familial cancer of breast. Last evaluated: 2021-09-12. Review status: criteria provided, single submitter. Criteria: Invitae Variant Classification Sherloc (09022015). Collection method: clinical testing. Allele origin: germline.
Comment: This variant is not present in population databases (ExAC no frequency). This sequence change replaces alanine with glycine at codon 294 of the CHEK2 protein (p.Ala294Gly). The alanine residue is moderately conserved and there is a small physicochemical difference between alanine and glycine. This variant has not been reported in the literature in individuals affected with CHEK2-related conditions. ClinVar contains an entry for this variant (Variation ID: 483385). Algorithms developed to predict the effect of missense changes on protein structure and function are either unavailable or do not agree on the potential impact of this missense change (SIFT: "Deleterious"; PolyPhen-2: "Benign"; Align-GVGD: "Class C0"). In summary, the available evidence is currently insufficient to determine the role of this variant in disease. Therefore, it has been classified as a Variant of Uncertain Significance.

Color Diagnostics, LLC DBA Color Health
Classification: Uncertain significance for Hereditary cancer-predisposing syndrome. Last evaluated: 2018-08-28. Review status: criteria provided, single submitter. Criteria: ACMG Guidelines, 2015. Collection method: clinical testing. Allele origin: germline.